The following is an entry in ClinVar:

ClinVar aggregate classification (germline): Likely pathogenic (1 of 4 stars; one submission).

Conditions:
Intellectual developmental disorder, autosomal dominant 29. Also called: Intellectual disability, autosomal dominant 29; SETBP1 Haploinsufficiency Disorder. Identifiers: Orphanet 436151, MedGen C4015141, MONDO:0014482, OMIM 616078.

Submission:

3billion
Classification: Likely pathogenic for Intellectual developmental disorder, autosomal dominant 29. Last evaluated: 2023-12-29. Review status: criteria provided, single submitter. Criteria: ACMG Guidelines, 2015. Collection method: clinical testing. Allele origin: germline. Affected: yes.
Comment: The variant is not observed in the gnomAD v2.1.1 dataset. Predicted Consequence/Location: Stop-gained (nonsense): predicted to result in a loss or disruption of normal protein function through nonsense-mediated decay (NMD) or protein truncation. Multiple pathogenic variants are reported downstream of the variant. Therefore, this variant is classified as Likely pathogenic according to the recommendation of ACMG/AMP guideline.

NM_015559.3(SETBP1):c.2893C>T (p.Gln965Ter)

Gene: SETBP1 (SET binding protein 1; plus strand). Cytogenetic location: 18q12.3.
Variant type: single nucleotide variant.
Coding change: c.2893C>T on transcript NM_015559.3 (MANE Select); coding-DNA position 2893, C replaced by T.
Protein change: p.Gln965Ter; replaces glutamine 965 with a stop codon.
Molecular consequence: nonsense.
Genome position (GRCh38, 1-based): chr18:44,952,233, C>T. VCF-style: chr18-44952233-C-T. GRCh37 (hg19) VCF-style: chr18-42532198-C-T.
Other names: c.2893C>T, p.Gln965Ter (NM_001379141.1, NM_001379142.1, NM_001410862.1); short protein forms Q965*.
Identifiers: ClinVar variation 3775865 (VCV003775865.1).